The following is an entry in ClinVar:

NM_022041.4(GAN):c.*1388A>G

Gene: GAN (gigaxonin; plus strand). Cytogenetic location: 16q23.2.
Variant type: single nucleotide variant.
Coding change: c.*1388A>G on transcript NM_022041.4 (MANE Select); 1388 bases downstream of the stop codon, A replaced by G.
Molecular consequence: 3 prime UTR variant.
Genome position (GRCh38, 1-based): chr16:81,378,984, A>G. VCF-style: chr16-81378984-A-G. GRCh37 (hg19) VCF-style: chr16-81412589-A-G.
Other names: NC_000016.9:g.81412589A>G; c.*1388A>G (NM_001377486.1).
Identifiers: ClinVar variation 320692 (VCV000320692.7), dbSNP rs41484544, ClinGen allele CA10648131.

ClinVar aggregate classification (germline): Benign. Review status: criteria provided, multiple submitters, no conflicts (2 of 4 stars). 2 submissions from 2 submitters: Benign (2). Last evaluated 2018-01-13.

Conditions:
Giant axonal neuropathy 1 (GAN1). Also called: GAN-Related Neurodegeneration; GIANT AXONAL NEUROPATHY 1, AUTOSOMAL RECESSIVE. Identifiers: Orphanet 643, MedGen C1850386, MONDO:0009749, OMIM 256850.

Allele frequency attached by ClinVar (database versions not stated): gnomAD exomes 0.03571; gnomAD 0.04942 and 0.05121; TOPMed 0.05066; 1000 Genomes Project 0.05631; 1000 Genomes Project 30x 0.05887.
gnomAD v4.1: 7,459 of 152,200 alleles (4.9%); highest among the groups gnomAD compares: African/African-American, 12%; 317 homozygotes.

Submissions (6):

Illumina Laboratory Services, Illumina
Classification: Benign for Giant axonal neuropathy 1. Last evaluated: 2018-01-13. Review status: criteria provided, single submitter. Criteria: ICSL Variant Classification Criteria 13 December 2019. Collection method: clinical testing. Allele origin: germline.
Comment: This variant was observed in the ICSL laboratory as part of a predisposition screen in an ostensibly healthy population. It had not been previously curated by ICSL or reported in the Human Gene Mutation Database (HGMD: prior to June 1st, 2018), and was therefore a candidate for classification through an automated scoring system. Utilizing variant allele frequency, disease prevalence and penetrance estimates, and inheritance mode, an automated score was calculated to assess if this variant is too frequent to cause the disease. Based on the score and internal cut-off values, a variant classified as benign is not then subjected to further curation. The score for this variant resulted in a classification of benign for this disease.

Breakthrough Genomics
Classification: Benign. Review status: criteria provided, single submitter. Criteria: ACMG Guidelines, 2015. Collection method: not provided. Allele origin: germline. Inheritance: Autosomal recessive inheritance. Affected: yes.

Dr. Peter K. Rogan Lab, Western University
No classification provided (evidence only). Condition: Uterine corpus endometrial carcinoma. Review status: no classification provided. Collection method: in vitro. Allele origin: not applicable. Functional consequence: retained intron. Not counted in ClinVar's aggregate classification.

Dr. Peter K. Rogan Lab, Western University
No classification provided (evidence only). Condition: Cervical cancer. Review status: no classification provided. Collection method: in vitro. Allele origin: not applicable. Functional consequence: retained intron. Not counted in ClinVar's aggregate classification.

Dr. Peter K. Rogan Lab, Western University
No classification provided (evidence only). Condition: Cervical cancer. Review status: no classification provided. Collection method: in vitro. Allele origin: not applicable. Functional consequence: retained intron. Not counted in ClinVar's aggregate classification.

Dr. Peter K. Rogan Lab, Western University
No classification provided (evidence only). Condition: Cervical cancer. Review status: no classification provided. Collection method: in vitro. Allele origin: not applicable. Functional consequence: retained intron. Not counted in ClinVar's aggregate classification.